The following is an entry in ClinVar:

ClinVar aggregate classification (germline): Pathogenic/Likely pathogenic. Review status: criteria provided, multiple submitters, no conflicts (2 of 4 stars). 4 submissions from 4 submitters: Pathogenic (2); Likely pathogenic (2). Last evaluated 2025-07-18.

Conditions:
NRXN1-related disorder.
Autism spectrum disorder. Also called: Autism spectrum disorders. Identifiers: MedGen C1510586, MeSH D000067877, MONDO:0005258.
Pitt-Hopkins-like syndrome 2 (PTHSL2). Identifiers: Orphanet 221150, Orphanet 600663, MedGen C3280479, MONDO:0013690, OMIM 614325.

Allele frequency attached by ClinVar (database versions not stated): gnomAD exomes below 0.00001.
gnomAD v4.1: 1 of 1,613,276 alleles (0.000062%); no homozygotes.

Submissions (4):

GeneDx
Classification: Likely pathogenic. Last evaluated: 2025-07-18. Review status: criteria provided, single submitter. Criteria: GeneDx Variant Classification Process June 2021. Collection method: clinical testing. Allele origin: germline. Affected: yes.
Comment: Nonsense variant predicted to result in protein truncation or nonsense mediated decay in a gene for which loss-of-function is a known mechanism of disease; Has not been previously published as pathogenic or benign to our knowledge; Not observed at significant frequency in large population cohorts (gnomAD)

Molecular Diagnostics Laboratory, M Health Fairview: University of Minnesota
Classification: Pathogenic. Last evaluated: 2023-06-22. Review status: criteria provided, single submitter. Criteria: ACMG Guidelines, 2015. Collection method: clinical testing. Allele origin: germline. Affected: yes.

Labcorp Genetics (formerly Invitae), Labcorp
Classification: Pathogenic for Pitt-Hopkins-like syndrome 2. Last evaluated: 2023-02-22. Review status: criteria provided, single submitter. Criteria: Invitae Variant Classification Sherloc (09022015). Collection method: clinical testing. Allele origin: germline.
Comment: This sequence change creates a premature translational stop signal (p.Arg1184*) in the NRXN1 gene. It is expected to result in an absent or disrupted protein product. Loss-of-function variants in NRXN1 are known to be pathogenic (PMID: 19896112, 21964664, 23495017, 23533028, 25149956, 30031152). This variant is not present in population databases (gnomAD no frequency). For these reasons, this variant has been classified as Pathogenic. ClinVar contains an entry for this variant (Variation ID: 1187252). This variant has not been reported in the literature in individuals affected with NRXN1-related conditions.

Blueprint Genetics
Classification: Likely pathogenic for NRXN1-related disorders. Last evaluated: 2018-11-16. Review status: criteria provided, single submitter. Criteria: ACMG Guidelines, 2015. Collection method: clinical testing. Allele origin: germline. Affected: yes. Observed: 1 variant allele.

Literature cited by the submitters: PubMed 19896112 (cited by Labcorp Genetics (formerly Invitae), Labcorp); PubMed 21964664 (cited by Labcorp Genetics (formerly Invitae), Labcorp); PubMed 23495017 (cited by Labcorp Genetics (formerly Invitae), Labcorp); PubMed 23533028 (cited by Labcorp Genetics (formerly Invitae), Labcorp); PubMed 25149956 (cited by Labcorp Genetics (formerly Invitae), Labcorp); PubMed 30031152 (cited by Labcorp Genetics (formerly Invitae), Labcorp).

NM_001330078.2(NRXN1):c.3430C>T (p.Arg1144Ter)

Gene: NRXN1 (neurexin 1; minus strand). Cytogenetic location: 2p16.3.
Variant type: single nucleotide variant.
Coding change: c.3430C>T on transcript NM_001330078.2 (MANE Select); coding-DNA position 3430, C replaced by T.
Protein change: p.Arg1144Ter; replaces arginine 1144 with a stop codon.
Molecular consequence: nonsense.
Genome position (GRCh38, 1-based): chr2:50,236,905, G>A on the plus strand (C>T on the coding strand, the complement: NRXN1 is on the minus strand). VCF-style: chr2-50236905-G-A. GRCh37 (hg19) VCF-style: chr2-50464043-G-A.
Other names: p.Arg1184*; c.3550C>T, p.Arg1184Ter (NM_001135659.3); c.3406C>T, p.Arg1136Ter (NM_001330077.2, NM_001330082.2); c.3364C>T, p.Arg1122Ter (NM_001330083.2, NM_001330084.2); c.3403C>T, p.Arg1135Ter (NM_001330085.2); c.3430C>T, p.Arg1144Ter (NM_001330086.2, NM_004801.6); c.3319C>T, p.Arg1107Ter (NM_001330087.2, NM_001330096.2); c.3349C>T, p.Arg1117Ter (NM_001330088.2); and 4 more; short protein forms R109*, R1107*, R1117*, R1122*, R1127*, R1135*, R1136*, R1140*.
Identifiers: ClinVar variation 1187252 (VCV001187252.10), dbSNP rs1282230077, ClinGen allele CA346821011.
Genomic context (GRCh38, chr2:50,236,905, plus strand): 5'-CGGCTTCTTTCTGAACAGTGCTAAAACCTATGGCCAGTCTGTCTGCTCGTGTACTGGGTC[G>A]GTCATTAGGAGGCCACTTATACGTGATTTGTCCACCACCTTTGCTAAAGATATATGTCGT-3'